The following is an entry in ClinVar:

ClinVar aggregate classification (germline): Uncertain significance. Review status: criteria provided, multiple submitters, no conflicts (2 of 4 stars). 2 submissions from 2 submitters: Uncertain significance (2). Last evaluated 2025-11-21.

Conditions:
Hereditary cancer-predisposing syndrome. Also called: Tumor predisposition; Hereditary neoplastic syndrome; Neoplastic Syndromes, Hereditary; Hereditary Cancer Syndrome. Identifiers: Orphanet 140162, MedGen C0027672, MeSH D009386, MONDO:0015356.
Oligodontia-cancer predisposition syndrome. Also called: TOOTH AGENESIS-COLORECTAL CANCER SYNDROME. Identifiers: Orphanet 300576, MedGen C1837750, MONDO:0012075, OMIM 608615. Disease mechanism: loss of function.

Allele frequency attached by ClinVar (database versions not stated): gnomAD exomes below 0.00001; TOPMed below 0.00001.
gnomAD v4.1: 4 of 1,614,150 alleles (0.00025%); highest among the groups gnomAD compares: Non-Finnish European, 0.00034%; no homozygotes.

Submissions (2):

Labcorp Genetics (formerly Invitae), Labcorp
Classification: Uncertain significance for Oligodontia-cancer predisposition syndrome. Last evaluated: 2025-11-21. Review status: criteria provided, single submitter. Criteria: Invitae Variant Classification Sherloc (09022015). Collection method: clinical testing. Allele origin: germline.
Comment: This sequence change replaces isoleucine, which is neutral and non-polar, with valine, which is neutral and non-polar, at codon 195 of the AXIN2 protein (p.Ile195Val). This variant is not present in population databases (gnomAD no frequency). This variant has not been reported in the literature in individuals affected with AXIN2-related conditions. ClinVar contains an entry for this variant (Variation ID: 959776). Invitae Evidence Modeling of protein sequence and biophysical properties (such as structural, functional, and spatial information, amino acid conservation, physicochemical variation, residue mobility, and thermodynamic stability) indicates that this missense variant is not expected to disrupt AXIN2 protein function with a negative predictive value of 80%. In summary, the available evidence is currently insufficient to determine the role of this variant in disease. Therefore, it has been classified as a Variant of Uncertain Significance.

Ambry Genetics
Classification: Uncertain significance for Hereditary cancer-predisposing syndrome. Last evaluated: 2024-11-02. Review status: criteria provided, single submitter. Criteria: Ambry Variant Classification Scheme 2023. Collection method: clinical testing. Allele origin: germline.
Comment: The p.I195V variant (also known as c.583A>G), located in coding exon 1 of the AXIN2 gene, results from an A to G substitution at nucleotide position 583. The isoleucine at codon 195 is replaced by valine, an amino acid with highly similar properties. This amino acid position is conserved. In addition, this alteration is predicted to be tolerated by in silico analysis. Since supporting evidence is limited at this time, the clinical significance of this alteration remains unclear.

NM_004655.4(AXIN2):c.583A>G (p.Ile195Val)

Gene: AXIN2 (axin 2; minus strand). Cytogenetic location: 17q24.1.
Variant type: single nucleotide variant.
Coding change: c.583A>G on transcript NM_004655.4 (MANE Select); coding-DNA position 583, A replaced by G.
Protein change: p.Ile195Val; replaces isoleucine 195 with valine.
Molecular consequence: missense variant.
Genome position (GRCh38, 1-based): chr17:65,558,038, T>C on the plus strand (A>G on the coding strand, the complement: AXIN2 is on the minus strand). VCF-style: chr17-65558038-T-C. GRCh37 (hg19) VCF-style: chr17-63554156-T-C.
Other names: c.583A>G, p.Ile195Val (NM_001363813.1); short protein forms I195V.
Identifiers: ClinVar variation 959776 (VCV000959776.14), dbSNP rs2044297799, ClinGen allele CA400680796.
Genomic context (GRCh38, chr17:65,558,038, plus strand): 5'-GTCCCCCATTACTCATGTAAGCTGTGTTTTCTCCCCCACTCCTCACATATTCGAGGTATA[T>C]ATCAGAAGTCAAAAACATCTGGTAGGCATTTTCCTCCATCACCGACTGGATCTCGGTCTG-3'
Protein context (NP_004646.3, residues 185-205): NAYQMFLTSD[Ile195Val]YLEYVRSGGE